The following is an entry in ClinVar:

NC_000015.9:g.(?_101420113)_(101464954_?)dup

Genes: ALDH1A3 (aldehyde dehydrogenase 1 family member A3; plus strand), LRRK1 (leucine rich repeat kinase 1; plus strand). Cytogenetic location: 15q26.3.
Variant type: Duplication.
Identifiers: ClinVar variation 2426853 (VCV002426853.3).

ClinVar aggregate classification (germline): Uncertain significance (1 of 4 stars; one submission).

Submission:

Labcorp Genetics (formerly Invitae), Labcorp
Classification: Uncertain significance. Last evaluated: 2022-06-23. Review status: criteria provided, single submitter. Criteria: Invitae Variant Classification Sherloc (09022015). Collection method: clinical testing. Allele origin: germline.
Comment: This variant results in a copy number gain of the genomic region encompassing exon(s) 1-2 of the LRRK1 gene. This region includes the initiator codon of the gene. This copy number gain extends beyond the assayed region for this gene and therefore may encompass additional genes. As the precise location of this event is unknown, it may be in tandem or it may be located elsewhere in the genome. This variant has not been reported in the literature in individuals affected with LRRK1-related conditions. In summary, the available evidence is currently insufficient to determine the role of this variant in disease. Therefore, it has been classified as a Variant of Uncertain Significance.